The following is an entry in ClinVar:

NM_005529.7(HSPG2):c.2435G>A (p.Arg812Gln)

Gene: HSPG2 (heparan sulfate proteoglycan 2; minus strand). Cytogenetic location: 1p36.12.
Variant type: single nucleotide variant.
Coding change: c.2435G>A on transcript NM_005529.7 (MANE Select); coding-DNA position 2435, G replaced by A.
Protein change: p.Arg812Gln; replaces arginine 812 with glutamine.
Molecular consequence: missense variant.
Genome position (GRCh38, 1-based): chr1:21,879,030, C>T on the plus strand (G>A on the coding strand, the complement: HSPG2 is on the minus strand). VCF-style: chr1-21879030-C-T. GRCh37 (hg19) VCF-style: chr1-22205523-C-T.
Other names: c.2438G>A, p.Arg813Gln (NM_001291860.2); short protein forms R812Q, R813Q.
Identifiers: ClinVar variation 295879 (VCV000295879.21), dbSNP rs150650673, ClinGen allele CA673073.

ClinVar aggregate classification (germline): Uncertain significance. Review status: criteria provided, multiple submitters, no conflicts (2 of 4 stars). 7 submissions from 6 submitters: Uncertain significance (7). Last evaluated 2025-07-01.

Conditions:
Inborn genetic diseases. Identifiers: MedGen C0950123, MeSH D030342.
Lethal Kniest-like syndrome (DDSH). Also called: Dyssegmental Dysplasia. Identifiers: Orphanet 1865, MedGen C1857100, MONDO:0009140, OMIM 224410.
Schwartz-Jampel syndrome. Also called: Myotonic myopathy dwarfism chondrodystrophy and ocular and facial abnormalities. Identifiers: Orphanet 800, MedGen C0036391, MONDO:0009717.

Allele frequency attached by ClinVar (database versions not stated): ESP Exome Variant Server 0.00008; ExAC 0.00011; gnomAD 0.00012 and 0.00013; gnomAD exomes 0.00012 and 0.00019; TOPMed 0.00017; 1000 Genomes Project 0.00020; 1000 Genomes Project 30x 0.00031.
gnomAD v4.1: 290 of 1,614,158 alleles (0.018%); highest among the groups gnomAD compares: Non-Finnish European, 0.023%; no homozygotes.

Submissions (7):

CeGaT Center for Human Genetics Tuebingen
Classification: Uncertain significance. Last evaluated: 2025-07-01. Review status: criteria provided, single submitter. Criteria: CeGaT Center For Human Genetics Tuebingen Variant Classification Criteria Version 2. Collection method: clinical testing. Allele origin: germline. Affected: yes. Observed: 1 variant allele.
Comment: HSPG2: PM2, BP4

GeneDx
Classification: Uncertain significance. Last evaluated: 2024-06-28. Review status: criteria provided, single submitter. Criteria: GeneDx Variant Classification Process June 2021. Collection method: clinical testing. Allele origin: germline. Affected: yes.
Comment: In silico analysis indicates that this missense variant does not alter protein structure/function; Has not been previously published as pathogenic or benign to our knowledge

Labcorp Genetics (formerly Invitae), Labcorp
Classification: Uncertain significance. Last evaluated: 2022-09-20. Review status: criteria provided, single submitter. Criteria: Invitae Variant Classification Sherloc (09022015). Collection method: clinical testing. Allele origin: germline.
Comment: This sequence change replaces arginine, which is basic and polar, with glutamine, which is neutral and polar, at codon 812 of the HSPG2 protein (p.Arg812Gln). This variant is present in population databases (rs150650673, gnomAD 0.02%). This variant has not been reported in the literature in individuals affected with HSPG2-related conditions. ClinVar contains an entry for this variant (Variation ID: 295879). Algorithms developed to predict the effect of missense changes on protein structure and function are either unavailable or do not agree on the potential impact of this missense change (SIFT: "Tolerated"; PolyPhen-2: "Possibly Damaging"; Align-GVGD: "Class C0"). Algorithms developed to predict the effect of sequence changes on RNA splicing suggest that this variant may create or strengthen a splice site. In summary, the available evidence is currently insufficient to determine the role of this variant in disease. Therefore, it has been classified as a Variant of Uncertain Significance.

Ambry Genetics
Classification: Uncertain significance for Inborn genetic diseases. Last evaluated: 2021-08-02. Review status: criteria provided, single submitter. Criteria: Ambry Variant Classification Scheme 2023. Collection method: clinical testing. Allele origin: germline.

Athena Diagnostics
Classification: Uncertain significance. Last evaluated: 2019-11-04. Review status: criteria provided, single submitter. Criteria: Athena Diagnostics Criteria. Collection method: clinical testing. Allele origin: unknown.

Illumina Laboratory Services, Illumina
Classification: Uncertain significance for Schwartz-Jampel syndrome type 1. Last evaluated: 2018-01-13. Review status: criteria provided, single submitter. Criteria: ICSL Variant Classification Criteria 13 December 2019. Collection method: clinical testing. Allele origin: germline.

Illumina Laboratory Services, Illumina
Classification: Uncertain significance for Lethal Kniest-like syndrome. Last evaluated: 2018-01-13. Review status: criteria provided, single submitter. Criteria: ICSL Variant Classification Criteria 13 December 2019. Collection method: clinical testing. Allele origin: germline.